The following is an entry in ClinVar:

NM_001395413.1(POR):c.815A>G (p.Gln272Arg)

Gene: POR (cytochrome p450 oxidoreductase; plus strand). Cytogenetic location: 7q11.23.
Variant type: single nucleotide variant.
Coding change: c.815A>G on transcript NM_001395413.1 (MANE Select); coding-DNA position 815, A replaced by G.
Protein change: p.Gln272Arg; replaces glutamine 272 with arginine.
Molecular consequence: missense variant.
Genome position (GRCh38, 1-based): chr7:75,982,316, A>G. VCF-style: chr7-75982316-A-G. GRCh37 (hg19) VCF-style: chr7-75611634-A-G.
Other names: c.815A>G, p.Gln272Arg (NM_001382657.2, NM_001382658.3, NM_001367562.3 and 2 more transcripts); c.869A>G, p.Gln290Arg (NM_001382655.3); c.824A>G (NM_000941.2); short protein forms Q272R, Q290R.
Identifiers: ClinVar variation 1405245 (VCV001405245.5), dbSNP rs201697814, ClinGen allele CA4303840.
Genomic context (GRCh38, chr7:75,982,316, plus strand): 5'-ACATAGATGCGGCCAAGGTGTACATGGGGGAGATGGGCCGGCTGAAGAGCTACGAGAACC[A>G]GAAGCCGTGAGTGGAGGGAGCGTGGCTTGGGGCAGACGGCTCTATGGCCACTGGTGCACC-3'
Protein context (NP_001382342.1, residues 262-282): EMGRLKSYEN[Gln272Arg]KPPFDAKNPF

ClinVar aggregate classification (germline): Uncertain significance. Review status: criteria provided, multiple submitters, no conflicts (2 of 4 stars). 2 submissions from 2 submitters: Uncertain significance (2). Last evaluated 2025-04-11.

Conditions:
Inborn genetic diseases. Identifiers: MedGen C0950123, MeSH D030342.
Congenital adrenal hyperplasia due to cytochrome P450 oxidoreductase deficiency. Also called: DISORDERED STEROIDOGENESIS DUE TO POR DEFICIENCY. Identifiers: Orphanet 95699, MedGen C1860042, MONDO:0013310, OMIM 613571.

Allele frequency attached by ClinVar (database versions not stated): gnomAD exomes below 0.00001 and 0.00001; ExAC 0.00001; TOPMed 0.00001.
gnomAD v4.1: 10 of 1,610,722 alleles (0.00062%); highest among the groups gnomAD compares: South Asian, 0.0011%; no homozygotes.

Submissions (2):

Ambry Genetics
Classification: Uncertain significance for Inborn genetic diseases. Last evaluated: 2025-04-11. Review status: criteria provided, single submitter. Criteria: Ambry Variant Classification Scheme 2023. Collection method: clinical testing. Allele origin: germline.

Labcorp Genetics (formerly Invitae), Labcorp
Classification: Uncertain significance for Congenital adrenal hyperplasia due to cytochrome P450 oxidoreductase deficiency. Last evaluated: 2025-03-17. Review status: criteria provided, single submitter. Criteria: Invitae Variant Classification Sherloc (09022015). Collection method: clinical testing. Allele origin: germline.
Comment: This sequence change replaces glutamine, which is neutral and polar, with arginine, which is basic and polar, at codon 275 of the POR protein (p.Gln275Arg). This variant is present in population databases (rs201697814, gnomAD 0.0009%). This variant has not been reported in the literature in individuals affected with POR-related conditions. ClinVar contains an entry for this variant (Variation ID: 1405245). Invitae Evidence Modeling of protein sequence and biophysical properties (such as structural, functional, and spatial information, amino acid conservation, physicochemical variation, residue mobility, and thermodynamic stability) indicates that this missense variant is not expected to disrupt POR protein function with a negative predictive value of 80%. In summary, the available evidence is currently insufficient to determine the role of this variant in disease. Therefore, it has been classified as a Variant of Uncertain Significance.